The following is an entry in ClinVar:

NM_025215.6(PUS1):c.*16C>T

Gene: PUS1 (pseudouridine synthase 1; plus strand). Cytogenetic location: 12q24.33.
Variant type: single nucleotide variant.
Coding change: c.*16C>T on transcript NM_025215.6 (MANE Select); 16 bases downstream of the stop codon, C replaced by T.
Molecular consequence: 3 prime UTR variant.
Genome position (GRCh38, 1-based): chr12:131,943,602, C>T. VCF-style: chr12-131943602-C-T. GRCh37 (hg19) VCF-style: chr12-132428147-C-T.
Other names: c.*16C>T (NM_001002019.3, NM_001002020.3).
Identifiers: ClinVar variation 212780 (VCV000212780.6), dbSNP rs116003934, ClinGen allele CA293001.

ClinVar aggregate classification (germline): Benign. Review status: criteria provided, multiple submitters, no conflicts (2 of 4 stars). 2 submissions from 2 submitters: Benign (2). Last evaluated 2018-01-13.

Conditions:
Myopathy, lactic acidosis, and sideroblastic anemia 1 (MLASA1). Identifiers: Orphanet 2598, MedGen C4551958, MONDO:0024553, OMIM 600462.

Allele frequency attached by ClinVar (database versions not stated): gnomAD exomes 0.00152 and 0.00410; ExAC 0.00500; gnomAD 0.01554 and 0.01667; TOPMed 0.01704; ESP Exome Variant Server 0.01838; 1000 Genomes Project 0.01957; 1000 Genomes Project 30x 0.02233.
gnomAD v4.1: 4,695 of 1,609,636 alleles (0.29%); highest among the groups gnomAD compares: African/African-American, 5.3%; 121 homozygotes.

Submissions (2):

Illumina Laboratory Services, Illumina
Classification: Benign for Myopathy, lactic acidosis, and sideroblastic anemia 1. Last evaluated: 2018-01-13. Review status: criteria provided, single submitter. Criteria: ICSL Variant Classification Criteria 13 December 2019. Collection method: clinical testing. Allele origin: germline.
Comment: This variant was observed in the ICSL laboratory as part of a predisposition screen in an ostensibly healthy population. It had not been previously curated by ICSL or reported in the Human Gene Mutation Database (HGMD: prior to June 1st, 2018), and was therefore a candidate for classification through an automated scoring system. Utilizing variant allele frequency, disease prevalence and penetrance estimates, and inheritance mode, an automated score was calculated to assess if this variant is too frequent to cause the disease. Based on the score and internal cut-off values, a variant classified as benign is not then subjected to further curation. The score for this variant resulted in a classification of benign for this disease.

GeneDx
Classification: Benign. Last evaluated: 2014-02-03. Review status: criteria provided, single submitter. Criteria: GeneDx Variant Classification (06012015). Collection method: clinical testing. Allele origin: germline. Affected: yes.
Comment: This variant is considered likely benign or benign based on one or more of the following criteria: it is a conservative change, it occurs at a poorly conserved position in the protein, it is predicted to be benign by multiple in silico algorithms, and/or has population frequency not consistent with disease.